The following is an entry in ClinVar:

ClinVar aggregate classification (germline): Conflicting classifications of pathogenicity. Review status: criteria provided, conflicting classifications (1 of 4 stars). 16 submissions from 11 submitters: Uncertain significance (1); Benign (13). 2 of the submissions do not count toward it. Last evaluated 2026-02-04.

Conditions:
Diabetes mellitus, permanent neonatal 3. Also called: ABCC8-Related Permanent Neonatal Diabetes Mellitus. Identifiers: MedGen C5394303, MONDO:0030088, OMIM 618857.
Hereditary hyperinsulinism.
Permanent neonatal diabetes mellitus (PNDM). Identifiers: Orphanet 99885, MedGen C1833104, MONDO:0100164, MONDO:0011643. Disease mechanism: gain of function.
Type 2 diabetes mellitus. Also called: Type II diabetes mellitus. Identifiers: MedGen C0011860, MeSH D003924, MONDO:0005148, OMIM 125853, HP:0005978.
Diabetes mellitus, transient neonatal, 2 (TNDM2). Identifiers: Orphanet 99886, MedGen C1835887, MONDO:0012480, OMIM 610374. Disease mechanism: loss of function.
Leucine-induced hypoglycemia (LIH). Also called: LEUCINE-SENSITIVE HYPOGLYCEMIA OF INFANCY. Identifiers: MedGen C0271714, MONDO:0009415, OMIM 240800.
Hyperinsulinemic hypoglycemia, familial, 1 (HHF1). Also called: Persistent hyperinsulinemic hypoglycemia of infancy; NESIDIOBLASTOSIS OF PANCREAS; Persistent Hyperinsulinemia Hypoglycemia of Infancy; HYPERINSULINISM, FAMILIAL, WITH PANCREATIC NESIDIOBLASTOSIS; HYPOGLYCEMIA, HYPERINSULINEMIC, OF INFANCY. Identifiers: Orphanet 276575, Orphanet 276598, MedGen C2931832, MONDO:0009734, OMIM 256450.

Allele frequency attached by ClinVar (database versions not stated): ESP Exome Variant Server 0.15671; TOPMed 0.15886; gnomAD exomes 0.15959 and 0.17386; gnomAD 0.16150 and 0.16638; ExAC 0.17849; 1000 Genomes Project 0.20208; 1000 Genomes Project 30x 0.20362.
gnomAD v4.1: 258,896 of 1,613,742 alleles (16%); highest among the groups gnomAD compares: South Asian, 28%; 22,375 homozygotes.

Submissions (16):

Labcorp Genetics (formerly Invitae), Labcorp
Classification: Benign. Last evaluated: 2026-02-04. Review status: criteria provided, single submitter. Criteria: Invitae Variant Classification Sherloc (09022015). Collection method: clinical testing. Allele origin: germline.

Blueprint Genetics
Classification: Benign. Last evaluated: 2024-11-27. Review status: criteria provided, single submitter. Criteria: ACMG Guidelines, 2015. Collection method: clinical testing. Allele origin: germline.

Pars Genome Lab
Classification: Benign for Leucine-induced hypoglycemia. Last evaluated: 2021-07-01. Review status: criteria provided, single submitter. Criteria: ACMG Guidelines, 2015. Collection method: clinical testing. Allele origin: germline. Affected: no.

Pars Genome Lab
Classification: Benign for Hyperinsulinemic hypoglycemia, familial, 1. Last evaluated: 2021-07-01. Review status: criteria provided, single submitter. Criteria: ACMG Guidelines, 2015. Collection method: clinical testing. Allele origin: germline. Affected: no.

Pars Genome Lab
Classification: Benign for Diabetes mellitus, transient neonatal, 2. Last evaluated: 2021-07-01. Review status: criteria provided, single submitter. Criteria: ACMG Guidelines, 2015. Collection method: clinical testing. Allele origin: germline. Affected: no.

Pars Genome Lab
Classification: Benign for Diabetes mellitus, permanent neonatal 3. Last evaluated: 2021-07-01. Review status: criteria provided, single submitter. Criteria: ACMG Guidelines, 2015. Collection method: clinical testing. Allele origin: germline. Affected: no.

GeneDx
Classification: Benign. Last evaluated: 2018-08-17. Review status: criteria provided, single submitter. Criteria: GeneDx Variant Classification Process June 2021. Collection method: clinical testing. Allele origin: germline. Affected: yes.
Comment: This variant is associated with the following publications: (PMID: 14551916)

Illumina Laboratory Services, Illumina
Classification: Benign for Diabetes mellitus, transient neonatal, 2. Last evaluated: 2017-04-27. Review status: criteria provided, single submitter. Criteria: ICSL Variant Classification Criteria 13 December 2019. Collection method: clinical testing. Allele origin: germline.
Comment: This variant was observed as part of a predisposition screen in an ostensibly healthy population. A literature search was performed for the gene, cDNA change, and amino acid change (where applicable). No publications were found based on this search. Allele frequency data from public databases was too high to be consistent with this variant causing disease. Therefore, this variant is classified as benign.

Illumina Laboratory Services, Illumina
Classification: Benign for Permanent neonatal diabetes mellitus 1. Last evaluated: 2017-04-27. Review status: criteria provided, single submitter. Criteria: ICSL Variant Classification Criteria 13 December 2019. Collection method: clinical testing. Allele origin: germline.
Comment: the same text as in the submission from Illumina Laboratory Services, Illumina above.

Illumina Laboratory Services, Illumina
Classification: Benign for Hyperinsulinemic hypoglycemia, familial, 1. Last evaluated: 2017-04-27. Review status: criteria provided, single submitter. Criteria: ICSL Variant Classification Criteria 13 December 2019. Collection method: clinical testing. Allele origin: germline.
Comment: the same text as in the submission from Illumina Laboratory Services, Illumina above.

Athena Diagnostics
Classification: Benign for Hyperinsulinemic hypoglycemia, familial, 1. Last evaluated: 2017-04-12. Review status: criteria provided, single submitter. Criteria: Athena Diagnostics Criteria. Collection method: clinical testing. Allele origin: germline.

Eurofins Ntd Llc (ga)
Classification: Benign. Last evaluated: 2014-10-14. Review status: criteria provided, single submitter. Criteria: EGL Classification Definitions 2015. Collection method: clinical testing. Allele origin: germline.

Clinical Genomics, Uppaluri K&H Personalized Medicine Clinic
Classification: Uncertain significance for Type 2 diabetes mellitus. Review status: criteria provided, single submitter. Criteria: K&H Uppaluri Personalized Medicine Clinic Variant Classification & Assertion Criteria. Collection method: research. Allele origin: somatic. Inheritance: Autosomal dominant inheritance.
Comment: Mutations in ABCC8 gene are generally associated with both neonatal diabetes mellitus as well as MODY. Patients with this mutation may respond to sulfonylureas. However, though the prevalence of rs1799858 in congenital hyperinsulinism of Infancy is seen, there is no sufficient evidence to show association of this variant with neonatal diabetes or MODY.

PreventionGenetics, part of Exact Sciences
Classification: Benign. Review status: criteria provided, single submitter. Criteria: ACMG Guidelines, 2015. Collection method: clinical testing. Allele origin: germline.

Natera, Inc.
Classification: Benign for Hereditary hyperinsulinism. Last evaluated: 2020-09-16. Review status: no assertion criteria provided. Collection method: clinical testing. Allele origin: germline. Not counted in ClinVar's aggregate classification.

Genetic Services Laboratory, University of Chicago
Classification: Likely benign. Review status: no assertion criteria provided. Collection method: clinical testing. Allele origin: germline. Inheritance: Autosomal unknown. Not counted in ClinVar's aggregate classification.
Comment: Likely benign based on allele frequency in 1000 Genomes Project or ESP global frequency and its presence in a patient with a rare or unrelated disease phenotype. NOT Sanger confirmed

Literature cited by the submitters: PubMed 33400071 (cited by Clinical Genomics, Uppaluri K&H Personalized Medicine Clinic); PubMed 28757749 (cited by Clinical Genomics, Uppaluri K&H Personalized Medicine Clinic); PubMed 22151254 (cited by Clinical Genomics, Uppaluri K&H Personalized Medicine Clinic).

NM_000352.6(ABCC8):c.1947G>A (p.Lys649=)

Gene: ABCC8 (ATP binding cassette subfamily C member 8; minus strand). Cytogenetic location: 11p15.1.
Variant type: single nucleotide variant.
Coding change: c.1947G>A on transcript NM_000352.6 (MANE Select); coding-DNA position 1947, G replaced by A.
Protein change: p.Lys649=; no amino-acid change (lysine 649 retained).
Molecular consequence: synonymous variant. On other transcripts: non-coding transcript variant (1).
Genome position (GRCh38, 1-based): chr11:17,428,382, C>T on the plus strand (G>A on the coding strand, the complement: ABCC8 is on the minus strand). VCF-style: chr11-17428382-C-T. GRCh37 (hg19) VCF-style: chr11-17449929-C-T.
Other names: c.1947G>A, p.Lys649= (NM_001287174.3); c.2013G>A, p.Lys671= (NM_001351295.2); c.1944G>A, p.Lys648= (NM_001351296.2, NM_001351297.2).
Identifiers: ClinVar variation 157686 (VCV000157686.28), dbSNP rs1799858, ClinGen allele CA171048.